The following is an entry in ClinVar:

NM_014915.3(ANKRD26):c.1757A>C (p.Lys586Thr)

Gene: ANKRD26 (ankyrin repeat domain containing 26; minus strand). Cytogenetic location: 10p12.1.
Variant type: single nucleotide variant.
Coding change: c.1757A>C on transcript NM_014915.3 (MANE Select); coding-DNA position 1757, A replaced by C.
Protein change: p.Lys586Thr; replaces lysine 586 with threonine.
Molecular consequence: missense variant.
Genome position (GRCh38, 1-based): chr10:27,048,858, T>G on the plus strand (A>C on the coding strand, the complement: ANKRD26 is on the minus strand). VCF-style: chr10-27048858-T-G. GRCh37 (hg19) VCF-style: chr10-27337787-T-G.
Other names: c.1757A>C, p.Lys586Thr (NM_001256053.2); short protein forms K586T.
Identifiers: ClinVar variation 3396363 (VCV003396363.1).

ClinVar aggregate classification (germline): Uncertain significance (1 of 4 stars; one submission).

Conditions:
Inborn genetic diseases. Identifiers: MedGen C0950123, MeSH D030342.

Submission:

Ambry Genetics
Classification: Uncertain significance for Inborn genetic diseases. Last evaluated: 2024-11-30. Review status: criteria provided, single submitter. Criteria: Ambry Variant Classification Scheme 2023. Collection method: clinical testing. Allele origin: germline.
Comment: The p.K586T variant (also known as c.1757A>C), located in coding exon 17 of the ANKRD26 gene, results from an A to C substitution at nucleotide position 1757. The lysine at codon 586 is replaced by threonine, an amino acid with similar properties. This amino acid position is conserved. In addition, this alteration is predicted to be tolerated by in silico analysis. Based on the available evidence, the clinical significance of this variant remains unclear.